The following is an entry in ClinVar:

NM_000222.3(KIT):c.2929_2930delinsCT (p.Ter977Leu)

Gene: KIT (KIT proto-oncogene, receptor tyrosine kinase; plus strand). Cytogenetic location: 4q12.
Variant type: Indel.
Coding change: c.2929_2930delinsCT on transcript NM_000222.3 (MANE Select); coding-DNA positions 2929 to 2930, TG replaced by CT.
Protein change: p.Ter977Leu.
Molecular consequence: stop lost.
Genome position (GRCh38, 1-based): chr4:54,738,555-54,738,556, TG replaced by CT. VCF-style: chr4-54738555-TG-CT. GRCh37 (hg19) VCF-style: chr4-55604721-TG-CT.
Other names: c.2917_2918delinsCT, p.Ter973Leu (NM_001093772.2, NM_001385292.1); c.2932_2933delinsCT, p.Ter978Leu (NM_001385284.1); c.2926_2927delinsCT, p.Ter976Leu (NM_001385285.1); c.2914_2915delinsCT, p.Ter972Leu (NM_001385286.1); c.2920_2921delinsCT, p.Ter974Leu (NM_001385288.1); c.2929_2930delinsCT, p.Ter977Leu (NM_001385290.1).
Identifiers: ClinVar variation 3864544 (VCV003864544.1).
Genomic context (GRCh38, chr4:54,738,555, plus strand): 5'-ATCAATTCTGTCGGCAGCACCGCTTCCTCCTCCCAGCCTCTGCTTGTGCACGACGATGTC[TG>CT]AGCAGAATCAGTGTTTGGGTCACCCCTCCAGGAATGATCTCTTCTTTTGGCTTCCATGAT-3'

ClinVar aggregate classification (germline): Uncertain significance (1 of 4 stars; one submission).

Conditions:
Hereditary cancer-predisposing syndrome. Also called: Hereditary neoplastic syndrome; Neoplastic Syndromes, Hereditary; Tumor predisposition; Hereditary Cancer Syndrome. Identifiers: Orphanet 140162, MedGen C0027672, MeSH D009386, MONDO:0015356.

Submission:

Ambry Genetics
Classification: Uncertain significance for Hereditary cancer-predisposing syndrome. Last evaluated: 2025-03-04. Review status: criteria provided, single submitter. Criteria: Ambry Variant Classification Scheme 2023. Collection method: clinical testing. Allele origin: germline.
Comment: The c.2929_2930delTGinsCT variant, (also known as p.*977Leuext*12), located in coding exon 21 of the KIT gene, results from an in-frame deletion of TG and insertion of CT at nucleotide positions 2929 to 2930. This alteration disrupts the stop codon of the KIT gene and is predicted to preserve the native sequence while resulting in the elongation of the protein by 12 amino acids. The exact functional effect of the additional amino acids is unknown. Based on the available evidence, the clinical significance of this variant remains unclear.